The following is an entry in ClinVar:

ClinVar aggregate classification (germline): Uncertain significance (1 of 4 stars; one submission).

Conditions:
Hereditary cancer-predisposing syndrome. Also called: Tumor predisposition; Hereditary neoplastic syndrome; Hereditary Cancer Syndrome; Neoplastic Syndromes, Hereditary. Identifiers: Orphanet 140162, MedGen C0027672, MeSH D009386, MONDO:0015356.

Submission:

Ambry Genetics
Classification: Uncertain significance for Hereditary cancer-predisposing syndrome. Last evaluated: 2025-04-06. Review status: criteria provided, single submitter. Criteria: Ambry Variant Classification Scheme 2023. Collection method: clinical testing. Allele origin: germline.
Comment: The p.L286M variant (also known as c.856C>A), located in coding exon 7 of the POLD1 gene, results from a C to A substitution at nucleotide position 856. The leucine at codon 286 is replaced by methionine, an amino acid with highly similar properties. This amino acid position is conserved. In addition, this alteration is predicted to be tolerated by in silico analysis. Based on the available evidence, the clinical significance of this variant remains unclear.

NM_002691.4(POLD1):c.856C>A (p.Leu286Met)

Gene: POLD1 (DNA polymerase delta 1, catalytic subunit; plus strand). Cytogenetic location: 19q13.33.
Variant type: single nucleotide variant.
Coding change: c.856C>A on transcript NM_002691.4 (MANE Select); coding-DNA position 856, C replaced by A.
Protein change: p.Leu286Met; replaces leucine 286 with methionine.
Molecular consequence: missense variant. On other transcripts: non-coding transcript variant (1).
Genome position (GRCh38, 1-based): chr19:50,402,627, C>A. VCF-style: chr19-50402627-C-A. GRCh37 (hg19) VCF-style: chr19-50905884-C-A.
Other names: c.856C>A, p.Leu286Met (NM_001256849.1, NM_001308632.1); short protein forms L286M.
Identifiers: ClinVar variation 3935552 (VCV003935552.1).